The following is an entry in ClinVar:

ClinVar aggregate classification (germline): Likely benign (1 of 4 stars; one submission).

Submission:

CeGaT Center for Human Genetics Tuebingen
Classification: Likely benign. Last evaluated: 2025-03-01. Review status: criteria provided, single submitter. Criteria: CeGaT Center For Human Genetics Tuebingen Variant Classification Criteria Version 2. Collection method: clinical testing. Allele origin: germline. Affected: yes. Observed: 1 variant allele.
Comment: CCNK: BP4, BP7

NM_001099402.2(CCNK):c.1554A>C (p.Pro518=)

Genes: CCDC85C (coiled-coil domain containing 85C; minus strand), CCNK (cyclin K; plus strand). Cytogenetic location: 14q32.2.
Variant type: single nucleotide variant.
Coding change: c.1554A>C on transcript NM_001099402.2 (MANE Select); coding-DNA position 1554, A replaced by C.
Protein change: p.Pro518=; no amino-acid change (proline 518 retained).
Molecular consequence: synonymous variant. On other transcripts: 3 prime UTR variant (1).
Genome position (GRCh38, 1-based): chr14:99,510,593, A>C. VCF-style: chr14-99510593-A-C. GRCh37 (hg19) VCF-style: chr14-99976930-A-C.
Other names: c.*4653T>G (NM_001144995.2).
Identifiers: ClinVar variation 3778159 (VCV003778159.7).